The following is an entry in ClinVar:

ClinVar aggregate classification (germline): Uncertain significance (1 of 4 stars; one submission).

Allele frequency attached by ClinVar (database versions not stated): gnomAD 0.00001; TOPMed 0.00001; 1000 Genomes Project 30x 0.00031.
gnomAD v4.1: 5 of 1,613,882 alleles (0.00031%); highest among the groups gnomAD compares: East Asian, 0.0067%; no homozygotes.

Submission:

Labcorp Genetics (formerly Invitae), Labcorp
Classification: Uncertain significance. Last evaluated: 2024-06-08. Review status: criteria provided, single submitter. Criteria: Invitae Variant Classification Sherloc (09022015). Collection method: clinical testing. Allele origin: germline.
Comment: This sequence change replaces aspartic acid, which is acidic and polar, with glutamic acid, which is acidic and polar, at codon 1141 of the LRP6 protein (p.Asp1141Glu). This variant is present in population databases (rs778837998, gnomAD 0.02%). This variant has not been reported in the literature in individuals affected with LRP6-related conditions. ClinVar contains an entry for this variant (Variation ID: 2166567). Advanced modeling of protein sequence and biophysical properties (such as structural, functional, and spatial information, amino acid conservation, physicochemical variation, residue mobility, and thermodynamic stability) performed at Invitae indicates that this missense variant is not expected to disrupt LRP6 protein function with a negative predictive value of 80%. In summary, the available evidence is currently insufficient to determine the role of this variant in disease. Therefore, it has been classified as a Variant of Uncertain Significance.

NM_002336.3(LRP6):c.3423C>G (p.Asp1141Glu)

Gene: LRP6 (LDL receptor related protein 6; minus strand). Cytogenetic location: 12p13.2.
Variant type: single nucleotide variant.
Coding change: c.3423C>G on transcript NM_002336.3 (MANE Select); coding-DNA position 3423, C replaced by G.
Protein change: p.Asp1141Glu; replaces aspartic acid 1141 with glutamic acid.
Molecular consequence: missense variant.
Genome position (GRCh38, 1-based): chr12:12,138,509, G>C on the plus strand (C>G on the coding strand, the complement: LRP6 is on the minus strand). VCF-style: chr12-12138509-G-C. GRCh37 (hg19) VCF-style: chr12-12291443-G-C.
Other names: c.3516C>G, p.Asp1172Glu (NM_001414244.1); c.3423C>G, p.Asp1141Glu (NM_001414245.1, NM_001414246.1, NM_001414248.1 and 3 more transcripts); c.3225C>G, p.Asp1075Glu (NM_001414247.1); c.2970C>G, p.Asp990Glu (NM_001414252.1, NM_001414253.1, NM_001414254.1); c.2916C>G, p.Asp972Glu (NM_001414255.1); short protein forms D1172E, D990E, D1141E, D972E, D1075E.
Identifiers: ClinVar variation 2166567 (VCV002166567.4), dbSNP rs778837998, ClinGen allele CA6455197.